The following is an entry in ClinVar:

ClinVar aggregate classification (germline): Uncertain significance. Review status: criteria provided, multiple submitters, no conflicts (2 of 4 stars). 2 submissions from 2 submitters: Uncertain significance (2). Last evaluated 2024-10-20.

Conditions:
Familial sleep-related hypermotor epilepsy. Also called: Autosomal Dominant Sleep-Related Hypermotor (Hyperkinetic) Epilepsy. Identifiers: Orphanet 98784, MedGen C3696898, MONDO:0000030.

Allele frequency attached by ClinVar (database versions not stated): ExAC 0.00001; gnomAD 0.00001; gnomAD exomes 0.00001; TOPMed 0.00001.

Submissions (2):

Labcorp Genetics (formerly Invitae), Labcorp
Classification: Uncertain significance. Last evaluated: 2024-10-20. Review status: criteria provided, single submitter. Criteria: Invitae Variant Classification Sherloc (09022015). Collection method: clinical testing. Allele origin: germline.
Comment: This sequence change replaces threonine, which is neutral and polar, with isoleucine, which is neutral and non-polar, at codon 109 of the CHRNA4 protein (p.Thr109Ile). This variant is present in population databases (rs768527293, gnomAD 0.007%). This variant has not been reported in the literature in individuals affected with CHRNA4-related conditions. ClinVar contains an entry for this variant (Variation ID: 804689). Invitae Evidence Modeling of protein sequence and biophysical properties (such as structural, functional, and spatial information, amino acid conservation, physicochemical variation, residue mobility, and thermodynamic stability) indicates that this missense variant is expected to disrupt CHRNA4 protein function with a positive predictive value of 80%. In summary, the available evidence is currently insufficient to determine the role of this variant in disease. Therefore, it has been classified as a Variant of Uncertain Significance.

Athena Diagnostics
Classification: Uncertain significance. Last evaluated: 2018-12-06. Review status: criteria provided, single submitter. Criteria: Athena Diagnostics Criteria. Collection method: clinical testing. Allele origin: germline.

NM_000744.7(CHRNA4):c.326C>T (p.Thr109Ile)

Genes: CHRNA4 (cholinergic receptor nicotinic alpha 4 subunit; minus strand), LOC126863087 (P300/CBP strongly-dependent group 1 enhancer GRCh37_chr20:61986832-61988031; plus strand). Cytogenetic location: 20q13.33.
Variant type: single nucleotide variant.
Coding change: c.326C>T on transcript NM_000744.7 (MANE Select); coding-DNA position 326, C replaced by T.
Protein change: p.Thr109Ile; replaces threonine 109 with isoleucine.
Molecular consequence: missense variant. On other transcripts: 5 prime UTR variant (1), non-coding transcript variant (1).
Genome position (GRCh38, 1-based): chr20:63,356,032, G>A on the plus strand (C>T on the coding strand, the complement: CHRNA4 is on the minus strand). VCF-style: chr20-63356032-G-A. GRCh37 (hg19) VCF-style: chr20-61987384-G-A.
Other names: c.-221C>T (NM_001256573.2); short protein forms T109I.
Identifiers: ClinVar variation 804689 (VCV000804689.7), dbSNP rs768527293, ClinGen allele CA9957868.